The following is an entry in ClinVar:

ClinVar aggregate classification (germline): Conflicting classifications of pathogenicity. Review status: criteria provided, conflicting classifications (1 of 4 stars). 5 submissions from 5 submitters: Uncertain significance (4); Likely benign (1). Last evaluated 2026-01-19.

Conditions:
EGFR-related lung cancer (EGFR). Identifiers: MedGen CN130014.
Lung cancer. Also called: Lung cancer, somatic; Malignant tumor of lung. Identifiers: MedGen C0242379, MONDO:0008903, OMIM 211980.
Inflammatory skin and bowel disease, neonatal, 2 (NNCIS). Identifiers: Orphanet 294023, MedGen C4015130, MONDO:0014481, OMIM 616069.
Hereditary cancer-predisposing syndrome. Also called: Neoplastic Syndromes, Hereditary; Tumor predisposition; Hereditary neoplastic syndrome; Hereditary Cancer Syndrome. Identifiers: Orphanet 140162, MedGen C0027672, MeSH D009386, MONDO:0015356.

Allele frequency attached by ClinVar (database versions not stated): ExAC 0.00004; gnomAD exomes 0.00004; gnomAD 0.00021; ESP Exome Variant Server 0.00023; TOPMed 0.00034; 1000 Genomes Project 0.00040; 1000 Genomes Project 30x 0.00047.
gnomAD v4.1: 76 of 1,614,150 alleles (0.0047%); highest among the groups gnomAD compares: African/African-American, 0.093%; no homozygotes.

Submissions (5):

Labcorp Genetics (formerly Invitae), Labcorp
Classification: Uncertain significance for EGFR-related lung cancer. Last evaluated: 2026-01-19. Review status: criteria provided, single submitter. Criteria: Invitae Variant Classification Sherloc (09022015). Collection method: clinical testing. Allele origin: germline.
Comment: This sequence change replaces isoleucine, which is neutral and non-polar, with leucine, which is neutral and non-polar, at codon 646 of the EGFR protein (p.Ile646Leu). This variant is present in population databases (rs140516819, gnomAD 0.04%). This variant has not been reported in the literature in individuals affected with EGFR-related conditions. ClinVar contains an entry for this variant (Variation ID: 837195). Invitae Evidence Modeling of protein sequence and biophysical properties (such as structural, functional, and spatial information, amino acid conservation, physicochemical variation, residue mobility, and thermodynamic stability) indicates that this missense variant is not expected to disrupt EGFR protein function with a negative predictive value of 80%. In summary, the available evidence is currently insufficient to determine the role of this variant in disease. Therefore, it has been classified as a Variant of Uncertain Significance.

Ambry Genetics
Classification: Likely benign for Hereditary cancer-predisposing syndrome. Last evaluated: 2024-08-23. Review status: criteria provided, single submitter. Criteria: Ambry Variant Classification Scheme 2023. Collection method: clinical testing. Allele origin: germline.

Fulgent Genetics
Classification: Uncertain significance for Lung cancer; Inflammatory skin and bowel disease, neonatal, 2. Last evaluated: 2024-01-24. Review status: criteria provided, single submitter. Criteria: ACMG Guidelines, 2015. Collection method: clinical testing. Allele origin: germline.

Baylor Genetics
Classification: Uncertain significance for Lung cancer. Last evaluated: 2019-07-31. Review status: criteria provided, single submitter. Criteria: ACMG Guidelines, 2015. Collection method: clinical testing. Allele origin: maternal. Affected: yes. Study: CSER-TexasKidsCanSeq.
Comment: This variant was determined to be of uncertain significance according to ACMG Guidelines, 2015 [PMID:25741868].

Breakthrough Genomics
Classification: Uncertain significance. Review status: criteria provided, single submitter. Criteria: ACMG Guidelines, 2015. Collection method: not provided. Allele origin: germline. Inheritance: Autosomal recessive inheritance. Affected: yes.

NM_005228.5(EGFR):c.1936A>C (p.Ile646Leu)

Gene: EGFR (epidermal growth factor receptor; plus strand). Cytogenetic location: 7p11.2.
Variant type: single nucleotide variant.
Coding change: c.1936A>C on transcript NM_005228.5 (MANE Select); coding-DNA position 1936, A replaced by C.
Protein change: p.Ile646Leu; replaces isoleucine 646 with leucine.
Molecular consequence: missense variant.
Genome position (GRCh38, 1-based): chr7:55,172,999, A>C. VCF-style: chr7-55172999-A-C. GRCh37 (hg19) VCF-style: chr7-55240692-A-C.
Other names: c.1801A>C, p.Ile601Leu (NM_001346897.2, NM_001346899.2); c.1936A>C, p.Ile646Leu (NM_001346898.2); c.1777A>C, p.Ile593Leu (NM_001346900.2); c.1135A>C, p.Ile379Leu (NM_001346941.2); short protein forms I593L, I379L, I601L, I646L.
Identifiers: ClinVar variation 837195 (VCV000837195.12), dbSNP rs140516819, ClinGen allele CA4265916.